The following is an entry in ClinVar:

ClinVar aggregate classification (germline): Uncertain significance (1 of 4 stars; one submission).

Conditions:
Gastrointestinal stromal tumor. Also called: Gastrointestinal stroma tumor; Gastrointestinal stromal tumor, somatic. Identifiers: Orphanet 44890, MedGen C0238198, MeSH D046152, MONDO:0011719, OMIM 606764, HP:0100723.

Submission:

Labcorp Genetics (formerly Invitae), Labcorp
Classification: Uncertain significance for Gastrointestinal stromal tumor. Last evaluated: 2022-01-26. Review status: criteria provided, single submitter. Criteria: Invitae Variant Classification Sherloc (09022015). Collection method: clinical testing. Allele origin: germline.
Comment: This variant has not been reported in the literature in individuals affected with KIT-related conditions. This variant is not present in population databases (gnomAD no frequency). This sequence change replaces phenylalanine, which is neutral and non-polar, with leucine, which is neutral and non-polar, at codon 529 of the KIT protein (p.Phe529Leu). Algorithms developed to predict the effect of missense changes on protein structure and function (SIFT, PolyPhen-2, Align-GVGD) all suggest that this variant is likely to be tolerated. In summary, the available evidence is currently insufficient to determine the role of this variant in disease. Therefore, it has been classified as a Variant of Uncertain Significance.

NM_000222.3(KIT):c.1587C>G (p.Phe529Leu)

Gene: KIT (KIT proto-oncogene, receptor tyrosine kinase; plus strand). Cytogenetic location: 4q12.
Variant type: single nucleotide variant.
Coding change: c.1587C>G on transcript NM_000222.3 (MANE Select); coding-DNA position 1587, C replaced by G.
Protein change: p.Phe529Leu; replaces phenylalanine 529 with leucine.
Molecular consequence: missense variant.
Genome position (GRCh38, 1-based): chr4:54,727,264, C>G. VCF-style: chr4-54727264-C-G. GRCh37 (hg19) VCF-style: chr4-55593430-C-G.
Other names: c.1575C>G, p.Phe525Leu (NM_001093772.2, NM_001385286.1); c.1590C>G, p.Phe530Leu (NM_001385284.1, NM_001385290.1); c.1587C>G, p.Phe529Leu (NM_001385285.1); c.1578C>G, p.Phe526Leu (NM_001385288.1, NM_001385292.1); short protein forms F525L, F526L, F529L, F530L.
Identifiers: ClinVar variation 2089965 (VCV002089965.4), dbSNP rs148248559, ClinGen allele CA356907029.